The following is an entry in ClinVar:

ClinVar aggregate classification (germline): Benign (1 of 4 stars; one submission).

Submission:

CeGaT Center for Human Genetics Tuebingen
Classification: Benign. Last evaluated: 2022-08-01. Review status: criteria provided, single submitter. Criteria: CeGaT Center For Human Genetics Tuebingen Variant Classification Criteria Version 2. Collection method: clinical testing. Allele origin: germline. Affected: yes. Observed: 1 variant allele.
Comment: HCN4: BS1, BS2

NC_000015.10:g.73377440GCTGTGACAGAG[2]

Genes: HCN4 (hyperpolarization activated cyclic nucleotide gated potassium channel 4; minus strand), LOC110121492 (VISTA enhancer hs2161; plus strand). Cytogenetic location: 15q24.1.
Variant type: Microsatellite.
Genome position: GRCh38 VCF-style: chr15-73377435-TAGAGGCTGTGAC-T. GRCh37 (hg19) VCF-style: chr15-73669776-TAGAGGCTGTGAC-T.
Identifiers: ClinVar variation 2645525 (VCV002645525.24), dbSNP rs1414950218, ClinGen allele CA619079337.